The following is an entry in ClinVar:

NM_007194.4(CHEK2):c.523del (p.Leu174_Val175insTer)

Gene: CHEK2 (checkpoint kinase 2; minus strand). Cytogenetic location: 22q12.1.
Variant type: Deletion.
Coding change: c.523del on transcript NM_007194.4 (MANE Select); coding-DNA position 523, one base deleted (G; older notation c.523delG).
Protein change: p.Leu174_Val175insTer.
Molecular consequence: nonsense. On other transcripts: 5 prime UTR variant (2), intron variant (1).
Genome position (GRCh38, 1-based): chr22:28,725,046, C deleted on the plus strand (G on the coding strand, the reverse complement: CHEK2 is on the minus strand). VCF-style (leftmost placement, unchanged base first): chr22-28725045-AC-A. GRCh37 (hg19) VCF-style: chr22-29121033-AC-A.
Other names: c.652del, p.Leu217_Val218insTer (NM_001005735.3, NM_001438294.1); c.-255del (NM_001257387.3); c.-141del (NM_001437942.1); c.616del, p.Leu205_Val206insTer (NM_001438293.1, NM_001438295.1); c.523del, p.Leu174_Val175insTer (NM_145862.3); c.445-123del (NM_001349956.3).
Identifiers: ClinVar variation 2583553 (VCV002583553.2), dbSNP rs2518052406, ClinGen allele CA2582342785.

ClinVar aggregate classification (germline): Pathogenic (1 of 4 stars; one submission).

Conditions:
Familial cancer of breast. Also called: Hereditary breast cancer; BREAST CANCER, FAMILIAL; hereditary breast carcinoma. Identifiers: Orphanet 227535, MedGen C0346153, MONDO:0016419, OMIM 114480. Disease mechanism: loss of function.

Submission:

Myriad Genetics, Inc.
Classification: Pathogenic for Familial cancer of breast. Last evaluated: 2023-06-26. Review status: criteria provided, single submitter. Criteria: Myriad Autosomal Dominant, Autosomal Recessive and X-Linked Classification Criteria (2023). Collection method: clinical testing. Allele origin: unknown.
Comment: This variant is considered pathogenic. This variant creates a termination codon and is predicted to result in premature protein truncation.